The following is an entry in ClinVar:

ClinVar aggregate classification (germline): Conflicting classifications of pathogenicity. Review status: criteria provided, conflicting classifications (1 of 4 stars). 3 submissions from 3 submitters: Uncertain significance (1); Likely benign (1). 1 of the submissions does not count toward it. Last evaluated 2023-12-19.

Conditions:
Deficiency of acetyl-CoA acetyltransferase. Also called: MITOCHONDRIAL ACETOACETYL-CoA THIOLASE DEFICIENCY; Beta-ketothiolase deficiency; 3-KETOTHIOLASE DEFICIENCY; 3-OXOTHIOLASE DEFICIENCY. Identifiers: Orphanet 134, MedGen C1536500, MONDO:0008760, OMIM 203750. Disease mechanism: loss of function.
Inborn genetic diseases. Identifiers: MedGen C0950123, MeSH D030342.

Allele frequency attached by ClinVar (database versions not stated): gnomAD 0.00003; ExAC 0.00008; gnomAD exomes 0.00008; TOPMed 0.00008; ESP Exome Variant Server 0.00015.
gnomAD v4.1: 118 of 1,613,070 alleles (0.0073%); highest among the groups gnomAD compares: Admixed American, 0.02%; no homozygotes.

Submissions (3):

Labcorp Genetics (formerly Invitae), Labcorp
Classification: Likely benign for Deficiency of acetyl-CoA acetyltransferase. Last evaluated: 2023-12-19. Review status: criteria provided, single submitter. Criteria: Invitae Variant Classification Sherloc (09022015). Collection method: clinical testing. Allele origin: germline.

Ambry Genetics
Classification: Uncertain significance for Inborn genetic diseases. Last evaluated: 2021-03-30. Review status: criteria provided, single submitter. Criteria: Ambry Variant Classification Scheme 2023. Collection method: clinical testing. Allele origin: germline.
Comment: The c.1028A>G (p.K343R) alteration is located in exon 11 (coding exon 11) of the ACAT1 gene. This alteration results from a A to G substitution at nucleotide position 1028, causing the lysine (K) at amino acid position 343 to be replaced by an arginine (R). The p.K343R alteration is predicted to be tolerated by in silico analysis. Based on insufficient or conflicting evidence, the clinical significance of this alteration remains unclear.

Natera, Inc.
Classification: Likely benign for Alpha-methylacetoacetic aciduria. Last evaluated: 2021-02-25. Review status: no assertion criteria provided. Collection method: clinical testing. Allele origin: germline. Not counted in ClinVar's aggregate classification.

NM_000019.4(ACAT1):c.1028A>G (p.Lys343Arg)

Gene: ACAT1 (acetyl-CoA acetyltransferase 1; plus strand). Cytogenetic location: 11q22.3.
Variant type: single nucleotide variant.
Coding change: c.1028A>G on transcript NM_000019.4 (MANE Select); coding-DNA position 1028, A replaced by G.
Protein change: p.Lys343Arg; replaces lysine 343 with arginine.
Molecular consequence: missense variant.
Genome position (GRCh38, 1-based): chr11:108,146,224, A>G. VCF-style: chr11-108146224-A-G. GRCh37 (hg19) VCF-style: chr11-108016951-A-G.
Other names: short protein forms K343R.
Identifiers: ClinVar variation 971584 (VCV000971584.15), dbSNP rs149171104, ClinGen allele CA6263355.